The following is an entry in ClinVar:

ClinVar aggregate classification (germline): Pathogenic (1 of 4 stars; one submission).

Conditions:
CFTR-related disorder (CFTR-RD). Also called: CFTR-related disorders; CFTR-related condition. Identifiers: MedGen C5924204, MONDO:7770004.

Submission:

Natera, Inc.
Classification: Pathogenic for CFTR-related disorders. Last evaluated: 2025-04-01. Review status: criteria provided, single submitter. Criteria: Natera Variant Classification Schema (03/2026). Collection method: clinical testing. Allele origin: germline.
Comment: The c.2195del variant in CFTR is a frameshift variant predicted to shift the reading frame and introduce a stop codon. This variant is expected to result in nonsense mediated decay, truncation, or a dysfunctional protein product. This variant is rare in the general population with a frequency below the threshold expected for the associated phenotype(s). This variant has been observed in one or more individuals affected with the associated recessive disease, as either homozygous or compound heterozygous with a second variant (PMID: 30134826). Given the available evidence, this variant is classified as Pathogenic.

Literature cited by the submitters: PubMed 30134826.

NM_000492.4(CFTR):c.2195del (p.Pro731_Leu732insTer)

Gene: CFTR (CF transmembrane conductance regulator; plus strand). Cytogenetic location: 7q31.2.
Variant type: Deletion.
Coding change: c.2195del on transcript NM_000492.4 (MANE Select); coding-DNA position 2195, one base deleted (T; older notation c.2195delT).
Protein change: p.Pro731_Leu732insTer.
Molecular consequence: nonsense. On other transcripts: frameshift variant (1).
Genome position (GRCh38, 1-based): chr7:117,592,362, T deleted; the last of 3 consecutive T bases (chr7:117,592,360-117,592,362); deleting any one gives the same sequence. VCF-style (leftmost placement, unchanged base first): chr7-117592359-CT-C. GRCh37 (hg19) VCF-style: chr7-117232413-CT-C.
Other names: c.2195delT, p.Leu732Terfs (NM_000492.3).
Identifiers: ClinVar variation 4064505 (VCV004064505.2).